The following is an entry in ClinVar:

NM_000368.5(TSC1):c.386T>C (p.Leu129Pro)

Gene: TSC1 (TSC complex subunit 1; minus strand). Cytogenetic location: 9q34.13.
Variant type: single nucleotide variant.
Coding change: c.386T>C on transcript NM_000368.5 (MANE Select); coding-DNA position 386, T replaced by C.
Protein change: p.Leu129Pro; replaces leucine 129 with proline.
Molecular consequence: missense variant. On other transcripts: 5 prime UTR variant (5), non-coding transcript variant (5).
Genome position (GRCh38, 1-based): chr9:132,923,470, A>G on the plus strand (T>C on the coding strand, the complement: TSC1 is on the minus strand). VCF-style: chr9-132923470-A-G. GRCh37 (hg19) VCF-style: chr9-135798857-A-G.
Other names: c.386T>C, p.Leu129Pro (NM_001162426.2, NM_001406592.1, NM_001406593.1 and 16 more transcripts); c.233T>C, p.Leu78Pro (NM_001162427.2, NM_001406610.1, NM_001406611.1 and 2 more transcripts); c.23T>C, p.Leu8Pro (NM_001362177.2, NM_001406614.1, NM_001406615.1 and 10 more transcripts); c.-492T>C (NM_001406626.1, NM_001406627.1, NM_001406628.1); c.-634T>C (NM_001406629.1); c.-708T>C (NM_001406630.1); short protein forms L129P, L78P, L8P.
Identifiers: ClinVar variation 4682128 (VCV004682128.1).
Genomic context (GRCh38, chr9:132,923,470, plus strand): 5'-TGTTTCCCAGACTGTGGAATCATTGGTAGCATGGTTATCAACACCAAGACGCCTGTTGTG[A>G]GGACAACGACGTCAGTGTCCATCTGCAGGAGAAAAGGTCAAACAGGAAACGTCTGTCAGG-3'
Protein context (NP_000359.1, residues 119-139): CLKMDTDVVV[Leu129Pro]TTGVLVLITM

ClinVar aggregate classification (germline): Uncertain significance (1 of 4 stars; one submission).

Conditions:
Tuberous sclerosis syndrome (TSC). Also called: Tuberous Sclerosis Complex; Tuberous sclerosis. Identifiers: Orphanet 805, MedGen C0041341, MONDO:0001734.

Submission:

Cambridge Genomics Laboratory, East Genomic Laboratory Hub, NHS Genomic Medicine Service
Classification: Uncertain significance for Tuberous sclerosis. Last evaluated: 2024-11-13. Review status: criteria provided, single submitter. Criteria: ACGS Best Practice Guidelines for Variant Classification in Rare Disease 2020. Collection method: clinical testing. Allele origin: germline. Affected: yes.
Comment: PS4_Supporting,PM2,PP3